The following is an entry in ClinVar:

ClinVar aggregate classification (germline): Uncertain significance. Review status: criteria provided, multiple submitters, no conflicts (2 of 4 stars). 2 submissions from 2 submitters: Uncertain significance (2). Last evaluated 2022-07-02.

Conditions:
Hereditary cancer-predisposing syndrome. Also called: Hereditary neoplastic syndrome; Tumor predisposition; Neoplastic Syndromes, Hereditary; Hereditary Cancer Syndrome. Identifiers: Orphanet 140162, MedGen C0027672, MeSH D009386, MONDO:0015356.
Hereditary breast ovarian cancer syndrome. Also called: Hereditary breast and ovarian cancer syndrome; Breast and ovarian cancer; Hereditary breast and ovarian cancer; Hereditary breast and/or ovarian cancer syndrome; Hereditary breast and ovarian cancer syndrome (HBOC); BRCA1- and BRCA2-Associated Hereditary Breast and Ovarian Cancer. Identifiers: Orphanet 145, MedGen C0677776, MeSH D061325, MONDO:0003582. Disease mechanism: loss of function.

Submissions (2):

Labcorp Genetics (formerly Invitae), Labcorp
Classification: Uncertain significance for Hereditary breast ovarian cancer syndrome. Last evaluated: 2022-07-02. Review status: criteria provided, single submitter. Criteria: Invitae Variant Classification Sherloc (09022015). Collection method: clinical testing. Allele origin: germline.
Comment: In summary, the available evidence is currently insufficient to determine the role of this variant in disease. Therefore, it has been classified as a Variant of Uncertain Significance. Algorithms developed to predict the effect of sequence changes on RNA splicing suggest that this variant may create or strengthen a splice site. This sequence change replaces leucine, which is neutral and non-polar, with arginine, which is basic and polar, at codon 3180 of the BRCA2 protein (p.Leu3180Arg). This variant is not present in population databases (gnomAD no frequency). This missense change has been observed in individual(s) with ovarian cancer (PMID: 14507240). ClinVar contains an entry for this variant (Variation ID: 571797). Advanced modeling of experimental studies (such as gene expression, population dynamics, functional pathways, and cell-cycle effects in cell culture) performed at Invitae indicates that this missense variant is not expected to disrupt BRCA2 protein function.

Color Diagnostics, LLC DBA Color Health
Classification: Uncertain significance for Hereditary cancer-predisposing syndrome. Last evaluated: 2019-10-02. Review status: criteria provided, single submitter. Criteria: ACMG Guidelines, 2015. Collection method: clinical testing. Allele origin: germline.
Comment: This missense variant replaces leucine with arginine at codon 3180 of the BRCA2 protein. Computational prediction suggests that this variant may have deleterious impact on protein structure and function (internally defined REVEL score threshold >= 0.7, PMID: 27666373). Splice site prediction tools suggest that this variant may not impact RNA splicing. To our knowledge, functional studies have not been performed for this variant. This variant has been reported in 1 individual affected with ovarian cancer (PMID: 14507240). This variant has not been identified in the general population by the Genome Aggregation Database (gnomAD). The available evidence is insufficient to determine the role of this variant in disease conclusively. Therefore, this variant is classified as a Variant of Uncertain Significance.

Literature cited by the submitters: PubMed 14507240 (cited by Labcorp Genetics (formerly Invitae), Labcorp).

NM_000059.4(BRCA2):c.9539T>G (p.Leu3180Arg)

Gene: BRCA2 (BRCA2 DNA repair associated; plus strand). Cytogenetic location: 13q13.1.
Variant type: single nucleotide variant.
Coding change: c.9539T>G on transcript NM_000059.4 (MANE Select); coding-DNA position 9539, T replaced by G.
Protein change: p.Leu3180Arg; replaces leucine 3180 with arginine.
Molecular consequence: missense variant.
Genome position (GRCh38, 1-based): chr13:32,396,935, T>G. VCF-style: chr13-32396935-T-G. GRCh37 (hg19) VCF-style: chr13-32971072-T-G.
Other names: short protein forms L3180R.
Identifiers: ClinVar variation 571797 (VCV000571797.12), dbSNP rs397507431, ClinGen allele CA387763109.
Genomic context (GRCh38, chr13:32,396,935, plus strand): 5'-AGCTTTTCCACTTATTTTCTTAGAATATTGACATACTTTGCAATGAAGCAGAAAACAAGC[T>G]TATGCATATACTGCATGCAAATGATCCCAAGTGGTCCACCCCAACTAAAGACTGTACTTC-3'
Protein context (NP_000050.3, residues 3170-3190): DILCNEAENK[Leu3180Arg]MHILHANDPK